The following is an entry in ClinVar:

ClinVar aggregate classification (germline): Conflicting classifications of pathogenicity. Review status: criteria provided, conflicting classifications (1 of 4 stars). 5 submissions from 5 submitters: Uncertain significance (3); Likely benign (1). 1 of the submissions does not count toward it. Last evaluated 2024-10-16.

Conditions:
Inborn genetic diseases. Identifiers: MedGen C0950123, MeSH D030342.
Retinitis pigmentosa 28 (RP28). Identifiers: Orphanet 791, MedGen C1419614, MONDO:0011630, OMIM 606068.

Allele frequency attached by ClinVar (database versions not stated): TOPMed 0.00008.

Submissions (5):

Ambry Genetics
Classification: Likely benign for Inborn genetic diseases. Last evaluated: 2024-10-16. Review status: criteria provided, single submitter. Criteria: Ambry Variant Classification Scheme 2023. Collection method: clinical testing. Allele origin: germline.

Blueprint Genetics
Classification: Uncertain significance. Last evaluated: 2024-06-07. Review status: criteria provided, single submitter. Criteria: ACMG Guidelines, 2015. Collection method: clinical testing. Allele origin: germline.

Labcorp Genetics (formerly Invitae), Labcorp
Classification: Uncertain significance. Last evaluated: 2022-10-24. Review status: criteria provided, single submitter. Criteria: Invitae Variant Classification Sherloc (09022015). Collection method: clinical testing. Allele origin: germline.
Comment: This sequence change replaces arginine, which is basic and polar, with histidine, which is basic and polar, at codon 495 of the FAM161A protein (p.Arg495His). This variant is present in population databases (rs201998260, gnomAD 0.03%). This variant has not been reported in the literature in individuals affected with FAM161A-related conditions. ClinVar contains an entry for this variant (Variation ID: 991309). Advanced modeling of protein sequence and biophysical properties (such as structural, functional, and spatial information, amino acid conservation, physicochemical variation, residue mobility, and thermodynamic stability) performed at Invitae indicates that this missense variant is not expected to disrupt FAM161A protein function. In summary, the available evidence is currently insufficient to determine the role of this variant in disease. Therefore, it has been classified as a Variant of Uncertain Significance.

Fulgent Genetics
Classification: Uncertain significance for Retinitis pigmentosa 28. Last evaluated: 2022-04-06. Review status: criteria provided, single submitter. Criteria: ACMG Guidelines, 2015. Collection method: clinical testing. Allele origin: unknown.

Natera, Inc.
Classification: Uncertain significance for Retinitis pigmentosa type 28. Last evaluated: 2020-08-21. Review status: no assertion criteria provided. Collection method: clinical testing. Allele origin: germline. Not counted in ClinVar's aggregate classification.

NM_001201543.2(FAM161A):c.1484G>A (p.Arg495His)

Gene: FAM161A (FAM161 centrosomal protein A; minus strand). Cytogenetic location: 2p15.
Variant type: single nucleotide variant.
Coding change: c.1484G>A on transcript NM_001201543.2 (MANE Select); coding-DNA position 1484, G replaced by A.
Protein change: p.Arg495His; replaces arginine 495 with histidine.
Molecular consequence: missense variant. On other transcripts: non-coding transcript variant (1).
Genome position (GRCh38, 1-based): chr2:61,839,520, C>T on the plus strand (G>A on the coding strand, the complement: FAM161A is on the minus strand). VCF-style: chr2-61839520-C-T. GRCh37 (hg19) VCF-style: chr2-62066655-C-T.
Other names: c.1484G>A, p.Arg495His (NM_032180.3); c.1484G>A (NM_001201543.1); short protein forms R495H.
Identifiers: ClinVar variation 991309 (VCV000991309.6), dbSNP rs201998260, ClinGen allele CA1679142.